The following is an entry in ClinVar:

ClinVar aggregate classification (germline): Uncertain significance (1 of 4 stars; one submission).

Conditions:
Inborn genetic diseases. Identifiers: MedGen C0950123, MeSH D030342.

gnomAD v4.1: 1 of 1,614,166 alleles (0.000062%); highest among the groups gnomAD compares: Non-Finnish European, 0.000085%; no homozygotes.

Submission:

Ambry Genetics
Classification: Uncertain significance for Inborn genetic diseases. Last evaluated: 2025-05-15. Review status: criteria provided, single submitter. Criteria: Ambry Variant Classification Scheme 2023. Collection method: clinical testing. Allele origin: germline.
Comment: The p.L84V variant (also known as c.250T>G), located in coding exon 3 of the FANCG gene, results from a T to G substitution at nucleotide position 250. The leucine at codon 84 is replaced by valine, an amino acid with highly similar properties. This amino acid position is conserved. In addition, this alteration is predicted to be tolerated by in silico analysis. Based on the available evidence, the clinical significance of this variant remains unclear.

NM_004629.2(FANCG):c.250T>G (p.Leu84Val)

Gene: FANCG (FA complementation group G; minus strand). Cytogenetic location: 9p13.3.
Variant type: single nucleotide variant.
Coding change: c.250T>G on transcript NM_004629.2 (MANE Select); coding-DNA position 250, T replaced by G.
Protein change: p.Leu84Val; replaces leucine 84 with valine.
Molecular consequence: missense variant.
Genome position (GRCh38, 1-based): chr9:35,078,662, A>C on the plus strand (T>G on the coding strand, the complement: FANCG is on the minus strand). VCF-style: chr9-35078662-A-C. GRCh37 (hg19) VCF-style: chr9-35078659-A-C.
Other names: short protein forms L84V.
Identifiers: ClinVar variation 4022520 (VCV004022520.1).
Genomic context (GRCh38, chr9:35,078,662, plus strand): 5'-CACCTCTCTCTAGGCTCCGCTGGATATCCTGGGCCTGATCCTCTGTGAAACCCTGGGCCA[A>C]GCTTGCCCTCAGGATAATGAAGTTGCAGGTGACAGTCAGCTCCAAGGGAAGAACAGGAAC-3'
Protein context (NP_004620.1, residues 74-94): TCNFIILRAS[Leu84Val]AQGFTEDQAQ